The following is an entry in ClinVar:

ClinVar aggregate classification (germline): Uncertain significance (1 of 4 stars; one submission).

Conditions:
Nemaline myopathy 6 (NEM6). Also called: Nemaline myopathy 6, autosomal dominant. Identifiers: Orphanet 171439, MedGen C1836472, MONDO:0012237, OMIM 609273.

gnomAD v4.1: 24 of 1,526,234 alleles (0.0016%); highest among the groups gnomAD compares: East Asian, 0.0025%; no homozygotes.

Submission:

Labcorp Genetics (formerly Invitae), Labcorp
Classification: Uncertain significance for Nemaline myopathy 6. Last evaluated: 2025-02-11. Review status: criteria provided, single submitter. Criteria: Invitae Variant Classification Sherloc (09022015). Collection method: clinical testing. Allele origin: germline.
Comment: This sequence change replaces threonine, which is neutral and polar, with methionine, which is neutral and non-polar, at codon 199 of the KBTBD13 protein (p.Thr199Met). The frequency data for this variant in the population databases is considered unreliable, as metrics indicate poor data quality at this position in the gnomAD database. This variant has not been reported in the literature in individuals affected with KBTBD13-related conditions. Invitae Evidence Modeling of protein sequence and biophysical properties (such as structural, functional, and spatial information, amino acid conservation, physicochemical variation, residue mobility, and thermodynamic stability) indicates that this missense variant is expected to disrupt KBTBD13 protein function with a positive predictive value of 80%. In summary, the available evidence is currently insufficient to determine the role of this variant in disease. Therefore, it has been classified as a Variant of Uncertain Significance.

NM_001101362.3(KBTBD13):c.596C>T (p.Thr199Met)

Gene: KBTBD13 (kelch repeat and BTB domain containing 13; plus strand). Cytogenetic location: 15q22.31.
Variant type: single nucleotide variant.
Coding change: c.596C>T on transcript NM_001101362.3 (MANE Select); coding-DNA position 596, C replaced by T.
Protein change: p.Thr199Met; replaces threonine 199 with methionine.
Molecular consequence: missense variant.
Genome position (GRCh38, 1-based): chr15:65,077,411, C>T. VCF-style: chr15-65077411-C-T. GRCh37 (hg19) VCF-style: chr15-65369749-C-T.
Other names: short protein forms T199M.
Identifiers: ClinVar variation 4693476 (VCV004693476.1).